The following is an entry in ClinVar:

ClinVar aggregate classification (germline): Uncertain significance (1 of 4 stars; one submission).

Allele frequency attached by ClinVar (database versions not stated): gnomAD 0.00001.
gnomAD v4.1: 5 of 1,613,646 alleles (0.00031%); highest among the groups gnomAD compares: African/African-American, 0.0013%; no homozygotes.

Submission:

Labcorp Genetics (formerly Invitae), Labcorp
Classification: Uncertain significance. Last evaluated: 2025-08-21. Review status: criteria provided, single submitter. Criteria: Invitae Variant Classification Sherloc (09022015). Collection method: clinical testing. Allele origin: germline.
Comment: This sequence change replaces arginine, which is basic and polar, with proline, which is neutral and non-polar, at codon 401 of the EFEMP1 protein (p.Arg401Pro). This variant is not present in population databases (gnomAD no frequency). This variant has not been reported in the literature in individuals affected with EFEMP1-related conditions. ClinVar contains an entry for this variant (Variation ID: 2981028). Invitae Evidence Modeling of protein sequence and biophysical properties (such as structural, functional, and spatial information, amino acid conservation, physicochemical variation, residue mobility, and thermodynamic stability) indicates that this missense variant is not expected to disrupt EFEMP1 protein function with a negative predictive value of 80%. In summary, the available evidence is currently insufficient to determine the role of this variant in disease. Therefore, it has been classified as a Variant of Uncertain Significance.

NM_001039348.3(EFEMP1):c.1202G>C (p.Arg401Pro)

Gene: EFEMP1 (EGF-like fibulin extracellular matrix protein 1; minus strand). Cytogenetic location: 2p16.1.
Variant type: single nucleotide variant.
Coding change: c.1202G>C on transcript NM_001039348.3 (MANE Select); coding-DNA position 1202, G replaced by C.
Protein change: p.Arg401Pro; replaces arginine 401 with proline.
Molecular consequence: missense variant.
Genome position (GRCh38, 1-based): chr2:55,870,838, C>G on the plus strand (G>C on the coding strand, the complement: EFEMP1 is on the minus strand). VCF-style: chr2-55870838-C-G. GRCh37 (hg19) VCF-style: chr2-56097973-C-G.
Other names: c.1202G>C, p.Arg401Pro (NM_001039349.3); short protein forms R401P.
Identifiers: ClinVar variation 2981028 (VCV002981028.3), dbSNP rs775080680, ClinGen allele CA347028066.
Genomic context (GRCh38, chr2:55,870,838, plus strand): 5'-TTGGCATAAATAGTTGTGGCCTGTATCTGGAAGATGTCTGATGGCACAGACCTATCAGAT[C>G]GGATGCTCATGTATTTGTAGACTATTGACTGGGGCAGTTCTCGGCACATGGCATTTGAGA-3'
Protein context (NP_001034437.1, residues 391-411): QSIVYKYMSI[Arg401Pro]SDRSVPSDIF